The following is an entry in ClinVar:

ClinVar aggregate classification (germline): Pathogenic. Review status: criteria provided, multiple submitters, no conflicts (2 of 4 stars). 2 submissions from 2 submitters: Pathogenic (2). Last evaluated 2025-10-06.

Conditions:
ENHANCED S-CONE SYNDROME 1 (ESCS1). Also called: RETINOSCHISIS WITH EARLY HEMERALOPIA; FAVRE HYALOIDEORETINAL DEGENERATION. Identifiers: MedGen CN380299, OMIM 268100.

Submissions (2):

Myriad Genetics, Inc.
Classification: Pathogenic for ENHANCED S-CONE SYNDROME 1. Last evaluated: 2025-10-06. Review status: criteria provided, single submitter. Criteria: Myriad Autosomal Dominant, Autosomal Recessive and X-Linked Classification Criteria (2023). Collection method: clinical testing. Allele origin: unknown.
Comment: NM_014249.2(NR2E3):c.872delG(G291Afs*33) is a frameshift variant classified as pathogenic in the context of enhanced S-cone syndrome. G291Afs*33 has not been observed in cases with relevant disease. Relevant functional assessments of this variant are not available in the literature. G291Afs*33 has not been observed in referenced population frequency databases. In summary, NM_014249.2(NR2E3):c.872delG(G291Afs*33) is a frameshift variant in a gene where loss of function is a known mechanism of disease and is predicted to disrupt protein function. Please note: this variant was assessed in the context of healthy population screening.

Labcorp Genetics (formerly Invitae), Labcorp
Classification: Pathogenic. Last evaluated: 2022-05-26. Review status: criteria provided, single submitter. Criteria: Invitae Variant Classification Sherloc (09022015). Collection method: clinical testing. Allele origin: germline.
Comment: This sequence change creates a premature translational stop signal (p.Gly291Alafs*33) in the NR2E3 gene. It is expected to result in an absent or disrupted protein product. Loss-of-function variants in NR2E3 are known to be pathogenic (PMID: 15459973, 27522502). This variant is not present in population databases (gnomAD no frequency). This variant has not been reported in the literature in individuals affected with NR2E3-related conditions. For these reasons, this variant has been classified as Pathogenic.

Literature cited by the submitters: PubMed 15459973 (cited by Labcorp Genetics (formerly Invitae), Labcorp); PubMed 27522502 (cited by Labcorp Genetics (formerly Invitae), Labcorp).

NM_014249.4(NR2E3):c.872del (p.Gly291fs)

Gene: NR2E3 (nuclear receptor subfamily 2 group E member 3; plus strand). Cytogenetic location: 15q23.
Variant type: Deletion.
Coding change: c.872del on transcript NM_014249.4 (MANE Select); coding-DNA position 872, one base deleted (G; older notation c.872delG).
Protein change: p.Gly291fs; shifts the reading frame from glycine 291.
Molecular consequence: frameshift variant.
Genome position (GRCh38, 1-based): chr15:71,813,513, G deleted; the last of 3 consecutive G bases (chr15:71,813,511-71,813,513); deleting any one gives the same sequence. VCF-style (leftmost placement, unchanged base first): chr15-71813510-AG-A. GRCh37 (hg19) VCF-style: chr15-72105850-AG-A.
Other names: c.872del, p.Gly291fs (NM_016346.4); short protein forms G291fs.
Identifiers: ClinVar variation 1995976 (VCV001995976.5), dbSNP rs2543256322, ClinGen allele CA2580089941.